The following is an entry in ClinVar:

ClinVar aggregate classification (germline): Uncertain significance (1 of 4 stars; one submission).

Allele frequency attached by ClinVar (database versions not stated): gnomAD 0.00001.
gnomAD v4.1: 2 of 1,614,076 alleles (0.00012%); highest among the groups gnomAD compares: Non-Finnish European, 0.00017%; no homozygotes.

Submission:

Labcorp Genetics (formerly Invitae), Labcorp
Classification: Uncertain significance. Last evaluated: 2022-07-25. Review status: criteria provided, single submitter. Criteria: Invitae Variant Classification Sherloc (09022015). Collection method: clinical testing. Allele origin: germline.
Comment: In summary, the available evidence is currently insufficient to determine the role of this variant in disease. Therefore, it has been classified as a Variant of Uncertain Significance. Algorithms developed to predict the effect of missense changes on protein structure and function are either unavailable or do not agree on the potential impact of this missense change (SIFT: "Tolerated"; PolyPhen-2: "Probably Damaging"; Align-GVGD: "Class C0"). This variant has not been reported in the literature in individuals affected with GNAS-related conditions. This variant is not present in population databases (gnomAD no frequency). This sequence change replaces methionine, which is neutral and non-polar, with valine, which is neutral and non-polar, at codon 386 of the GNAS protein (p.Met386Val).

NM_000516.7(GNAS):c.1156A>G (p.Met386Val)

Gene: GNAS (GNAS complex locus; plus strand). Cytogenetic location: 20q13.32.
Variant type: single nucleotide variant.
Coding change: c.1156A>G on transcript NM_000516.7 (MANE Select); coding-DNA position 1156, A replaced by G.
Protein change: p.Met386Val; replaces methionine 386 with valine.
Molecular consequence: missense variant. On other transcripts: 3 prime UTR variant (2).
Genome position (GRCh38, 1-based): chr20:58,910,800, A>G. VCF-style: chr20-58910800-A-G. GRCh37 (hg19) VCF-style: chr20-57485855-A-G.
Other names: c.1060A>G, p.Met354Val (NM_001410912.1); c.3040A>G, p.Met1014Val (NM_001410913.1); c.1114A>G, p.Met372Val (NM_080426.4); c.*1062A>G (NM_016592.5); c.3085A>G, p.Met1029Val (NM_080425.4); c.1159A>G, p.Met387Val (NM_001077488.5); c.1111A>G, p.Met371Val (NM_001077489.4); c.*1017A>G (NM_001077490.3); and 1 more; short protein forms M1029V, M371V, M372V, M1014V, M327V, M387V, M354V, M386V.
Identifiers: ClinVar variation 1931151 (VCV001931151.5), dbSNP rs2091384119, ClinGen allele CA409453948.